The following is an entry in ClinVar:

ClinVar aggregate classification (germline): Uncertain significance. Review status: criteria provided, multiple submitters, no conflicts (2 of 4 stars). 2 submissions from 2 submitters: Uncertain significance (2). Last evaluated 2024-01-10.

Conditions:
Hereditary sensory and autonomic neuropathy type 6. Also called: HSAN VI; Neuropathy, hereditary sensory and autonomic, type VI. Identifiers: Orphanet 314381, MedGen C3539003, MONDO:0013839, OMIM 614653.
Epidermolysis bullosa simplex 3, localized or generalized intermediate, with BP230 deficiency (EBS3). Also called: Epidermolysis bullosa simplex due to BP230 deficiency; Epidermolysis bullosa simplex, autosomal recessive 2. Identifiers: Orphanet 412181, MedGen C3809470, MONDO:0014180, OMIM 615425.

Allele frequency attached by ClinVar (database versions not stated): TOPMed below 0.00001; gnomAD 0.00001; gnomAD exomes 0.00001 and 0.00002; ExAC 0.00003.
gnomAD v4.1: 17 of 1,613,350 alleles (0.0011%); highest among the groups gnomAD compares: South Asian, 0.0088%; no homozygotes.

Submissions (2):

Mayo Clinic Laboratories, Mayo Clinic
Classification: Uncertain significance. Last evaluated: 2024-01-10. Review status: criteria provided, single submitter. Criteria: ACMG Guidelines, 2015. Collection method: clinical testing. Allele origin: germline. Observed: 1 variant allele.
Comment: PM2_moderate

Labcorp Genetics (formerly Invitae), Labcorp
Classification: Uncertain significance for Epidermolysis bullosa simplex 3, localized or generalized intermediate, with BP230 deficiency; Hereditary sensory and autonomic neuropathy type 6. Last evaluated: 2022-06-20. Review status: criteria provided, single submitter. Criteria: Invitae Variant Classification Sherloc (09022015). Collection method: clinical testing. Allele origin: germline.
Comment: In summary, the available evidence is currently insufficient to determine the role of this variant in disease. Therefore, it has been classified as a Variant of Uncertain Significance. Experimental studies and prediction algorithms are not available or were not evaluated, and the functional significance of this variant is currently unknown. This variant has not been reported in the literature in individuals affected with DST-related conditions. This variant is present in population databases (rs753675392, gnomAD 0.01%). This sequence change replaces arginine, which is basic and polar, with glutamine, which is neutral and polar, at codon 1736 of the DST protein (p.Arg1736Gln). The DST gene has multiple clinically relevant transcripts. This variant occurs in alternate transcript NM_015548.4, and corresponds to NM_001723.5:c.*41678G>A in the primary transcript.

NM_001374736.1(DST):c.13076G>A (p.Arg4359Gln)

Gene: DST (dystonin; minus strand). Cytogenetic location: 6p12.1.
Variant type: single nucleotide variant.
Coding change: c.13076G>A on transcript NM_001374736.1 (MANE Select); coding-DNA position 13076, G replaced by A.
Protein change: p.Arg4359Gln; replaces arginine 4359 with glutamine.
Molecular consequence: missense variant.
Genome position (GRCh38, 1-based): chr6:56,573,839, C>T on the plus strand (G>A on the coding strand, the complement: DST is on the minus strand). VCF-style: chr6-56573839-C-T. GRCh37 (hg19) VCF-style: chr6-56438637-C-T.
Other names: p.Arg1736Gln; c.6719G>A, p.Arg2240Gln (NM_001144769.5); c.6305G>A, p.Arg2102Gln (NM_001144770.2); c.13076G>A, p.Arg4359Gln (NM_001374722.1); c.12443G>A, p.Arg4148Gln (NM_001374729.1); c.6185G>A, p.Arg2062Gln (NM_001374730.1, NM_001386100.1, NM_183380.4); c.13103G>A, p.Arg4368Gln (NM_001374734.1); c.5207G>A, p.Arg1736Gln (NM_015548.5); short protein forms R1736Q, R2062Q, R2102Q, R2240Q, R4148Q, R4359Q, R4368Q.
Identifiers: ClinVar variation 1058339 (VCV001058339.10), dbSNP rs753675392, ClinGen allele CA3868285.